The following is an entry in ClinVar:

ClinVar aggregate classification (germline): Likely benign (1 of 4 stars; one submission).

gnomAD v4.1: 1 of 1,613,612 alleles (0.000062%); highest among the groups gnomAD compares: South Asian, 0.0011%; no homozygotes.

Submission:

GeneDx
Classification: Likely benign. Last evaluated: 2017-03-20. Review status: criteria provided, single submitter. Criteria: GeneDx Variant Classification (06012015). Collection method: clinical testing. Allele origin: germline. Affected: yes.
Comment: This variant is considered likely benign or benign based on one or more of the following criteria: it is a conservative change, it occurs at a poorly conserved position in the protein, it is predicted to be benign by multiple in silico algorithms, and/or has population frequency not consistent with disease.

NM_000719.7(CACNA1C):c.1815G>A (p.Leu605=)

Gene: CACNA1C (calcium voltage-gated channel subunit alpha1 C; plus strand). Cytogenetic location: 12p13.33.
Variant type: single nucleotide variant.
Coding change: c.1815G>A on transcript NM_000719.7 (MANE Select); coding-DNA position 1815, G replaced by A.
Protein change: p.Leu605=; no amino-acid change (leucine 605 retained).
Molecular consequence: synonymous variant.
Genome position (GRCh38, 1-based): chr12:2,567,714, G>A. VCF-style: chr12-2567714-G-A. GRCh37 (hg19) VCF-style: chr12-2676880-G-A.
Other names: c.1815G>A, p.Leu605= (NM_001129827.2, NM_001129829.2, NM_001129830.3 and 18 more transcripts); c.1806G>A, p.Leu602= (NM_001129844.2).
Identifiers: ClinVar variation 508268 (VCV000508268.1), dbSNP rs1555800189, ClinGen allele CA477885049.
Genomic context (GRCh38, chr12:2,567,714, plus strand): 5'-GTCCCTCTTCAACCGCTTTGACTGCTTCGTCGTGTGTGGCGGCATCCTGGAGACCATCCT[G>A]GTGGAGACCAAGATCATGTCCCCACTGGGCATCTCCGTGCTCAGATGCGTCCGGCTGCTG-3'
Protein context (NP_000710.5, residues 595-615): VVCGGILETI[Leu605=]VETKIMSPLG